The following is an entry in ClinVar:

ClinVar aggregate classification (germline): Uncertain significance (1 of 4 stars; one submission).

Submission:

Ambry Genetics
Classification: Uncertain significance. Last evaluated: 2024-09-06. Review status: criteria provided, single submitter. Criteria: Ambry Variant Classification Scheme 2023. Collection method: clinical testing. Allele origin: germline.
Comment: The p.G1562D variant (also known as c.4685G>A), located in coding exon 4 of the ALPK2 gene, results from a G to A substitution at nucleotide position 4685. The glycine at codon 1562 is replaced by aspartic acid, an amino acid with similar properties. This amino acid position is conserved. In addition, this alteration is predicted to be tolerated by in silico analysis. Based on the available evidence, the clinical significance of this variant remains unclear.

NM_052947.4(ALPK2):c.4685G>A (p.Gly1562Asp)

Genes: ALPK2 (alpha kinase 2; minus strand), LOC126862764 (BRD4-independent group 4 enhancer GRCh37_chr18:56202574-56203773; plus strand). Cytogenetic location: 18q21.31.
Variant type: single nucleotide variant.
Coding change: c.4685G>A on transcript NM_052947.4 (MANE Select); coding-DNA position 4685, G replaced by A.
Protein change: p.Gly1562Asp; replaces glycine 1562 with aspartic acid.
Molecular consequence: missense variant.
Genome position (GRCh38, 1-based): chr18:58,535,502, C>T on the plus strand (G>A on the coding strand, the complement: ALPK2 is on the minus strand). VCF-style: chr18-58535502-C-T. GRCh37 (hg19) VCF-style: chr18-56202734-C-T.
Other names: short protein forms G1562D.
Identifiers: ClinVar variation 3531408 (VCV003531408.1).